The following is an entry in ClinVar:

NM_006231.4(POLE):c.799C>G (p.Pro267Ala)

Gene: POLE (DNA polymerase epsilon, catalytic subunit; minus strand). Cytogenetic location: 12q24.33.
Variant type: single nucleotide variant.
Coding change: c.799C>G on transcript NM_006231.4 (MANE Select); coding-DNA position 799, C replaced by G.
Protein change: p.Pro267Ala; replaces proline 267 with alanine.
Molecular consequence: missense variant.
Genome position (GRCh38, 1-based): chr12:132,677,365, G>C on the plus strand (C>G on the coding strand, the complement: POLE is on the minus strand). VCF-style: chr12-132677365-G-C. GRCh37 (hg19) VCF-style: chr12-133253951-G-C.
Other names: c.799C>G (NM_006231.2); short protein forms P267A.
Identifiers: ClinVar variation 3342015 (VCV003342015.16).

ClinVar aggregate classification (germline): Uncertain significance. Review status: criteria provided, multiple submitters, no conflicts (2 of 4 stars). 2 submissions from 2 submitters: Uncertain significance (2). Last evaluated 2025-12-21.

Conditions:
Hereditary cancer-predisposing syndrome. Also called: Neoplastic Syndromes, Hereditary; Tumor predisposition; Hereditary Cancer Syndrome; Hereditary neoplastic syndrome. Identifiers: Orphanet 140162, MedGen C0027672, MeSH D009386, MONDO:0015356.

gnomAD v4.1: 1 of 1,612,850 alleles (0.000062%); highest among the groups gnomAD compares: Non-Finnish European, 0.000085%; no homozygotes.

Submissions (2):

Ambry Genetics
Classification: Uncertain significance for Hereditary cancer-predisposing syndrome. Last evaluated: 2025-12-21. Review status: criteria provided, single submitter. Criteria: Ambry Variant Classification Scheme 2023. Collection method: clinical testing. Allele origin: germline.
Comment: The p.P267A variant (also known as c.799C>G), located in coding exon 8 of the POLE gene, results from a C to G substitution at nucleotide position 799. The proline at codon 267 is replaced by alanine, an amino acid with highly similar properties. This amino acid position is conserved. In addition, the in silico prediction for this alteration is inconclusive. Based on the available evidence, the clinical significance of this variant remains unclear.

CeGaT Center for Human Genetics Tuebingen
Classification: Uncertain significance. Last evaluated: 2024-08-01. Review status: criteria provided, single submitter. Criteria: CeGaT Center For Human Genetics Tuebingen Variant Classification Criteria Version 2. Collection method: clinical testing. Allele origin: germline. Affected: yes. Observed: 1 variant allele.
Comment: POLE: PM1, PM2